The following is an entry in ClinVar:

NM_152296.5(ATP1A3):c.508del (p.Gln169_Val170insTer)

Gene: ATP1A3 (ATPase Na+/K+ transporting subunit alpha 3; minus strand). Cytogenetic location: 19q13.2.
Variant type: Deletion.
Coding change: c.508del on transcript NM_152296.5 (MANE Select); coding-DNA position 508, one base deleted (G; older notation c.508delG).
Protein change: p.Gln169_Val170insTer.
Molecular consequence: nonsense.
Genome position (GRCh38, 1-based): chr19:41,985,962, C deleted on the plus strand (G on the coding strand, the reverse complement: ATP1A3 is on the minus strand); the first of 2 consecutive C bases (chr19:41,985,962-41,985,963); deleting either gives the same sequence. VCF-style (leftmost placement, unchanged base first): chr19-41985961-AC-A. GRCh37 (hg19) VCF-style: chr19-42490113-AC-A.
Other names: c.541del, p.Gln180_Val181insTer (NM_001256213.2); c.547del, p.Gln182_Val183insTer (NM_001256214.2).
Identifiers: ClinVar variation 3662531 (VCV003662531.2).
Genomic context (GRCh38, chr19:41,985,961, plus strand): 5'-GGCACTCGGTCTCCACCCTTGATCTCCACCAGGTCCCCGACCACCACCTCCTCAGCGTTC[AC>A]CTGCATCTTCTCACCTTCCCGGATCACCAGGGCTTGCTGAGGTGGGATGGAGTAATGTCA-3'

ClinVar aggregate classification (germline): Pathogenic (1 of 4 stars; one submission).

Conditions:
Dystonia 12 (DYT12). Also called: Rapid-Onset Dystonia-Parkinsonism (RDP); DYT-ATP1A3. Identifiers: Orphanet 71517, MedGen C1868681, MONDO:0007496, OMIM 128235.

Submission:

Labcorp Genetics (formerly Invitae), Labcorp
Classification: Pathogenic for Dystonia 12. Last evaluated: 2024-08-15. Review status: criteria provided, single submitter. Criteria: Invitae Variant Classification Sherloc (09022015). Collection method: clinical testing. Allele origin: germline.
Comment: This sequence change creates a premature translational stop signal (p.Val170*) in the ATP1A3 gene. It is expected to result in an absent or disrupted protein product. Loss-of-function variants in ATP1A3 are known to be pathogenic (PMID: 24631656, 24983657). This variant is not present in population databases (gnomAD no frequency). This variant has not been reported in the literature in individuals affected with ATP1A3-related conditions. For these reasons, this variant has been classified as Pathogenic.

Literature cited by the submitters: PubMed 24631656; PubMed 24983657.